The following is an entry in ClinVar:

ClinVar aggregate classification (germline): Conflicting classifications of pathogenicity. Review status: criteria provided, conflicting classifications (1 of 4 stars). 2 submissions from 2 submitters: Likely pathogenic (1); Uncertain significance (1). Last evaluated 2021-06-06.

Conditions:
Hereditary cancer-predisposing syndrome. Also called: Tumor predisposition; Hereditary neoplastic syndrome; Neoplastic Syndromes, Hereditary; Hereditary Cancer Syndrome. Identifiers: Orphanet 140162, MedGen C0027672, MeSH D009386, MONDO:0015356.

Submissions (2):

Labcorp Genetics (formerly Invitae), Labcorp
Classification: Uncertain significance. Last evaluated: 2021-06-06. Review status: criteria provided, single submitter. Criteria: Invitae Variant Classification Sherloc (09022015). Collection method: clinical testing. Allele origin: germline.
Comment: In summary, the available evidence is currently insufficient to determine the role of this variant in disease. Therefore, it has been classified as a Variant of Uncertain Significance. Advanced modeling of protein sequence and biophysical properties (such as structural, functional, and spatial information, amino acid conservation, physicochemical variation, residue mobility, and thermodynamic stability) performed at Invitae indicates that this missense variant is expected to disrupt FH protein function. This variant has not been reported in the literature in individuals with FH-related conditions. ClinVar contains an entry for this variant (Variation ID: 818525). This variant is not present in population databases (ExAC no frequency). This sequence change replaces glycine with glutamic acid at codon 401 of the FH protein (p.Gly401Glu). The glycine residue is highly conserved and there is a moderate physicochemical difference between glycine and glutamic acid.

Ambry Genetics
Classification: Likely pathogenic for Hereditary cancer-predisposing syndrome. Last evaluated: 2019-06-24. Review status: criteria provided, single submitter. Criteria: Ambry Variant Classification Scheme 2023. Collection method: clinical testing. Allele origin: germline.
Comment: The p.G401E variant (also known as c.1202G>A), located in coding exon 8 of the FH gene, results from a G to A substitution at nucleotide position 1202. The glycine at codon 401 is replaced by glutamic acid, an amino acid with similar properties. This amino acid position is highly conserved in available vertebrate species. Based on internal structural analysis, this variant is more disruptive than known pathogenic variants (Ajalla Aleixo MA et al. FEBS J. 2019 May;286:1925-1940). In addition, this alteration is predicted to be deleterious by in silico analysis. Based on the majority of available evidence to date, this variant is likely to be pathogenic.

Literature cited by the submitters: PubMed 30761759 (cited by Ambry Genetics).

NM_000143.4(FH):c.1202G>A (p.Gly401Glu)

Gene: FH (fumarate hydratase; minus strand). Cytogenetic location: 1q43.
Variant type: single nucleotide variant.
Coding change: c.1202G>A on transcript NM_000143.4 (MANE Select); coding-DNA position 1202, G replaced by A.
Protein change: p.Gly401Glu; replaces glycine 401 with glutamic acid.
Molecular consequence: missense variant.
Genome position (GRCh38, 1-based): chr1:241,502,477, C>T on the plus strand (G>A on the coding strand, the complement: FH is on the minus strand). VCF-style: chr1-241502477-C-T. GRCh37 (hg19) VCF-style: chr1-241665777-C-T.
Other names: short protein forms G401E.
Identifiers: ClinVar variation 818525 (VCV000818525.12), dbSNP rs1573879289, ClinGen allele CA345437342.